The following is an entry in ClinVar:

NM_001382241.1(TNPO2):c.2110+5G>A

Gene: TNPO2 (transportin 2; minus strand). Cytogenetic location: 19p13.13.
Variant type: single nucleotide variant.
Coding change: c.2110+5G>A on transcript NM_001382241.1 (MANE Select); 5 bases into the intron after coding-DNA position 2110, G replaced by A.
Molecular consequence: intron variant.
Genome position (GRCh38, 1-based): chr19:12,703,709, C>T on the plus strand (G>A on the coding strand, the complement: TNPO2 is on the minus strand). VCF-style: chr19-12703709-C-T. GRCh37 (hg19) VCF-style: chr19-12814523-C-T.
Other names: c.2110+5G>A (NM_001382237.1, NM_001382240.1, NM_001382238.1 and 7 more transcripts).
Identifiers: ClinVar variation 3350993 (VCV003350993.1).

ClinVar aggregate classification (germline): Likely benign (0 of 4 stars; one submission).

Conditions:
TNPO2-related disorder. Also called: TNPO2-related condition.

gnomAD v4.1: 57 of 1,606,940 alleles (0.0035%); highest among the groups gnomAD compares: East Asian, 0.0045%; no homozygotes.

Submission:

PreventionGenetics, part of Exact Sciences
Classification: Likely benign for TNPO2-related condition. Last evaluated: 2024-09-10. Review status: no assertion criteria provided. Collection method: clinical testing. Allele origin: germline.
Comment: This variant is classified as likely benign based on ACMG/AMP sequence variant interpretation guidelines (Richards et al. 2015 PMID: 25741868, with internal and published modifications).